The following is an entry in ClinVar:

ClinVar aggregate classification (germline): Uncertain significance (1 of 4 stars; one submission).

Conditions:
Perlman syndrome (PRLMNS). Identifiers: Orphanet 2849, MedGen C0796113, MONDO:0009965, OMIM 267000.

Submission:

Labcorp Genetics (formerly Invitae), Labcorp
Classification: Uncertain significance for Perlman syndrome. Last evaluated: 2023-07-18. Review status: criteria provided, single submitter. Criteria: Invitae Variant Classification Sherloc (09022015). Collection method: clinical testing. Allele origin: germline.
Comment: An algorithm developed to predict the effect of missense changes on protein structure and function (PolyPhen-2) suggests that this variant is likely to be disruptive. This sequence change replaces proline, which is neutral and non-polar, with serine, which is neutral and polar, at codon 88 of the DIS3L2 protein (p.Pro88Ser). This variant is not present in population databases (gnomAD no frequency). This variant has not been reported in the literature in individuals affected with DIS3L2-related conditions. ClinVar contains an entry for this variant (Variation ID: 962750). In summary, the available evidence is currently insufficient to determine the role of this variant in disease. Therefore, it has been classified as a Variant of Uncertain Significance.

NM_152383.5(DIS3L2):c.262C>T (p.Pro88Ser)

Gene: DIS3L2 (DIS3 like 3'-5' exoribonuclease 2; plus strand). Cytogenetic location: 2q37.1.
Variant type: single nucleotide variant.
Coding change: c.262C>T on transcript NM_152383.5 (MANE Select); coding-DNA position 262, C replaced by T.
Protein change: p.Pro88Ser; replaces proline 88 with serine.
Molecular consequence: missense variant. On other transcripts: non-coding transcript variant (2).
Genome position (GRCh38, 1-based): chr2:232,024,328, C>T. VCF-style: chr2-232024328-C-T. GRCh37 (hg19) VCF-style: chr2-232889038-C-T.
Other names: c.262C>T, p.Pro88Ser (NM_001257281.2, NM_001257282.2); short protein forms P88S.
Identifiers: ClinVar variation 962750 (VCV000962750.9), dbSNP rs1694600708, ClinGen allele CA351152824.
Genomic context (GRCh38, chr2:232,024,328, plus strand): 5'-GTTTTAAAGGGTGTATTGAGAATTAATCCAAAGAAGTTTCATGAAGCCTTCATTCCTTCC[C>T]CGGTAAGTTCAATAAATTTATAATAAACTTTATGTCACATTTAATTTTTTAGATCTGCTC-3'
Protein context (NP_689596.4, residues 78-98): KKFHEAFIPS[Pro88Ser]DGDRDIFIDG